The following is an entry in ClinVar:

NM_000070.3(CAPN3):c.1553A>G (p.Gln518Arg)

Gene: CAPN3 (calpain 3; plus strand). Cytogenetic location: 15q15.1.
Variant type: single nucleotide variant.
Coding change: c.1553A>G on transcript NM_000070.3 (MANE Select); coding-DNA position 1553, A replaced by G.
Protein change: p.Gln518Arg; replaces glutamine 518 with arginine.
Molecular consequence: missense variant.
Genome position (GRCh38, 1-based): chr15:42,402,810, A>G. VCF-style: chr15-42402810-A-G. GRCh37 (hg19) VCF-style: chr15-42695008-A-G.
Other names: c.1553A>G, p.Gln518Arg (NM_024344.2); c.1409A>G, p.Gln470Arg (NM_173087.2); c.17A>G, p.Gln6Arg (NM_173088.2); short protein forms Q470R, Q518R, Q6R.
Identifiers: ClinVar variation 967031 (VCV000967031.11), dbSNP rs764593698, ClinGen allele CA7511433.

ClinVar aggregate classification (germline): Uncertain significance. Review status: criteria provided, multiple submitters, no conflicts (2 of 4 stars). 3 submissions from 3 submitters: Uncertain significance (2). 1 of the submissions does not count toward it. Last evaluated 2023-08-06.

Conditions:
Autosomal recessive limb-girdle muscular dystrophy type 2A (LGMDR1). Also called: LEYDEN-MOEBIUS MUSCULAR DYSTROPHY; MUSCULAR DYSTROPHY, PELVOFEMORAL; Limb-girdle muscular dystrophy, type 2A; Muscular dystrophy, limb-girdle, type 2A, Amish; Calpainopathy. Identifiers: Orphanet 267, MedGen C1869123, MONDO:0009675, OMIM 253600. Disease mechanism: loss of function.

Allele frequency attached by ClinVar (database versions not stated): ExAC 0.00001; gnomAD exomes 0.00003 and 0.00004; gnomAD 0.00004 and 0.00005; TOPMed 0.00005.
gnomAD v4.1: 63 of 1,614,056 alleles (0.0039%); highest among the groups gnomAD compares: Non-Finnish European, 0.0048%; no homozygotes.

Submissions (3):

Labcorp Genetics (formerly Invitae), Labcorp
Classification: Uncertain significance for Autosomal recessive limb-girdle muscular dystrophy type 2A. Last evaluated: 2023-08-06. Review status: criteria provided, single submitter. Criteria: Invitae Variant Classification Sherloc (09022015). Collection method: clinical testing. Allele origin: germline.
Comment: In summary, the available evidence is currently insufficient to determine the role of this variant in disease. Therefore, it has been classified as a Variant of Uncertain Significance. This sequence change replaces glutamine, which is neutral and polar, with arginine, which is basic and polar, at codon 518 of the CAPN3 protein (p.Gln518Arg). This variant is present in population databases (rs764593698, gnomAD 0.006%). This missense change has been observed in individual(s) with limb-girdle muscular dystrophy (LGMD) (PMID: 19556129). ClinVar contains an entry for this variant (Variation ID: 967031). Advanced modeling of protein sequence and biophysical properties (such as structural, functional, and spatial information, amino acid conservation, physicochemical variation, residue mobility, and thermodynamic stability) performed at Invitae indicates that this missense variant is not expected to disrupt CAPN3 protein function.

Athena Diagnostics
Classification: Uncertain significance. Last evaluated: 2020-03-11. Review status: criteria provided, single submitter. Criteria: Athena Diagnostics Criteria. Collection method: clinical testing. Allele origin: unknown.

Natera, Inc.
Classification: Uncertain significance for Limb-girdle muscular dystrophy type 2A. Last evaluated: 2020-02-14. Review status: no assertion criteria provided. Collection method: clinical testing. Allele origin: germline. Not counted in ClinVar's aggregate classification.

Literature cited by the submitters: PubMed 19556129 (cited by Labcorp Genetics (formerly Invitae), Labcorp and Athena Diagnostics).